The following is an entry in ClinVar:

NM_001384732.1(CPLANE1):c.7123A>G (p.Thr2375Ala)

Gene: CPLANE1 (ciliogenesis and planar polarity effector complex subunit 1; minus strand). Cytogenetic location: 5p13.2.
Variant type: single nucleotide variant.
Coding change: c.7123A>G on transcript NM_001384732.1 (MANE Select); coding-DNA position 7123, A replaced by G.
Protein change: p.Thr2375Ala; replaces threonine 2375 with alanine.
Molecular consequence: missense variant.
Genome position (GRCh38, 1-based): chr5:37,168,901, T>C on the plus strand (A>G on the coding strand, the complement: CPLANE1 is on the minus strand). VCF-style: chr5-37168901-T-C. GRCh37 (hg19) VCF-style: chr5-37169003-T-C.
Other names: c.7123A>G, p.Thr2375Ala (NM_023073.4); short protein forms T2375A.
Identifiers: ClinVar variation 1461506 (VCV001461506.8), dbSNP rs779388665, ClinGen allele CA3238136.

ClinVar aggregate classification (germline): Uncertain significance (1 of 4 stars; one submission).

Allele frequency attached by ClinVar (database versions not stated): ExAC 0.00001; gnomAD exomes 0.00001.
gnomAD v4.1: 3 of 1,614,148 alleles (0.00019%); highest among the groups gnomAD compares: Non-Finnish European, 0.00025%; no homozygotes.

Submission:

Labcorp Genetics (formerly Invitae), Labcorp
Classification: Uncertain significance. Last evaluated: 2023-10-30. Review status: criteria provided, single submitter. Criteria: Invitae Variant Classification Sherloc (09022015). Collection method: clinical testing. Allele origin: germline.
Comment: This sequence change replaces threonine, which is neutral and polar, with alanine, which is neutral and non-polar, at codon 2375 of the CPLANE1 protein (p.Thr2375Ala). This variant is present in population databases (rs779388665, gnomAD 0.002%). This variant has not been reported in the literature in individuals affected with CPLANE1-related conditions. ClinVar contains an entry for this variant (Variation ID: 1461506). Advanced modeling of protein sequence and biophysical properties (such as structural, functional, and spatial information, amino acid conservation, physicochemical variation, residue mobility, and thermodynamic stability) performed at Invitae indicates that this missense variant is not expected to disrupt CPLANE1 protein function with a negative predictive value of 95%. In summary, the available evidence is currently insufficient to determine the role of this variant in disease. Therefore, it has been classified as a Variant of Uncertain Significance.